The following is an entry in ClinVar:

ClinVar aggregate classification (germline): Uncertain significance (1 of 4 stars; one submission).

Conditions:
Infantile spasms. Also called: Infantile spasm. Identifiers: MedGen C3887898, HP:0012469.

gnomAD v4.1: 2 of 1,613,746 alleles (0.00012%); highest among the groups gnomAD compares: Non-Finnish European, 0.00017%; no homozygotes.

Submission:

Labcorp Genetics (formerly Invitae), Labcorp
Classification: Uncertain significance for Infantile spasms. Last evaluated: 2024-05-05. Review status: criteria provided, single submitter. Criteria: Invitae Variant Classification Sherloc (09022015). Collection method: clinical testing. Allele origin: germline.
Comment: This sequence change replaces alanine, which is neutral and non-polar, with threonine, which is neutral and polar, at codon 449 of the PIK3AP1 protein (p.Ala449Thr). This variant is not present in population databases (gnomAD no frequency). This variant has not been reported in the literature in individuals affected with PIK3AP1-related conditions. Algorithms developed to predict the effect of missense changes on protein structure and function output the following: SIFT: "Not Available"; PolyPhen-2: "Benign"; Align-GVGD: "Not Available". The threonine amino acid residue is found in multiple mammalian species, which suggests that this missense change does not adversely affect protein function. In summary, the available evidence is currently insufficient to determine the role of this variant in disease. Therefore, it has been classified as a Variant of Uncertain Significance.

NM_152309.3(PIK3AP1):c.1345G>A (p.Ala449Thr)

Genes: PIK3AP1 (phosphoinositide-3-kinase adaptor protein 1; minus strand), LOC130004439 (ATAC-STARR-seq lymphoblastoid active region 3829; plus strand). Cytogenetic location: 10q24.1.
Variant type: single nucleotide variant.
Coding change: c.1345G>A on transcript NM_152309.3 (MANE Select); coding-DNA position 1345, G replaced by A.
Protein change: p.Ala449Thr; replaces alanine 449 with threonine.
Molecular consequence: missense variant.
Genome position (GRCh38, 1-based): chr10:96,645,503, C>T on the plus strand (G>A on the coding strand, the complement: PIK3AP1 is on the minus strand). VCF-style: chr10-96645503-C-T. GRCh37 (hg19) VCF-style: chr10-98405260-C-T.
Other names: short protein forms A449T.
Identifiers: ClinVar variation 3648624 (VCV003648624.2).
Genomic context (GRCh38, chr10:96,645,503, plus strand): 5'-GTGGAAGCAGAACTGGGTTGTGCTACTTACAGAGGTCTTCAGTGGCAGCTGGGACAAAGG[C>T]AGCCATGGACTCATAGAGATCCTCGTCACAGCCGGGGTTGAGCGAGCATTTCATAAGCAG-3'
Protein context (NP_689522.2, residues 439-459): CDEDLYESMA[Ala449Thr]FVPAATEDLY